The following is an entry in ClinVar:

NM_000344.4(SMN1):c.855dup (p.Glu286fs)

Gene: SMN1 (survival of motor neuron 1, telomeric). Cytogenetic location: 5q13.2.
Variant type: Duplication.
Coding change: c.855dup on transcript NM_000344.4 (MANE Select); coding-DNA position 855, one base duplicated.
Protein change: p.Glu286fs; shifts the reading frame from glutamic acid 286.
Molecular consequence: frameshift variant. On other transcripts: intron variant (1).
Genome position: GRCh38 VCF-style: chr5-70951956-C-CA. GRCh37 (hg19) VCF-style: chr5-70247783-C-CA.
Other names: c.759dup, p.Glu254fs (NM_022874.2); c.835-478dup (NM_001297715.1); c.855dupA (NM_000344.3); short protein forms E286fs, E254fs.
Identifiers: ClinVar variation 495832 (VCV000495832.1), dbSNP rs1554082383, ClinGen allele CA658683392.

ClinVar aggregate classification (germline): Likely pathogenic (1 of 4 stars; one submission).

Conditions:
Spinal muscular atrophy (SMA). Identifiers: MedGen C0026847, MeSH D009134, MONDO:0001516, HP:0007269.

Submission:

Women's Health and Genetics/Laboratory Corporation of America, LabCorp
Classification: Likely pathogenic for Spinal muscular atrophy. Last evaluated: 2016-04-12. Review status: criteria provided, single submitter. Criteria: LabCorp Variant Classification Summary - May 2015. Collection method: clinical testing. Allele origin: germline.
Comment: Variant summary: The c.855dupA (pGlu286Argfs) variant in SMN1 gene is a frame shift mutation predicted to cause a loss of original stop codon and result in substitution of the last nine amino acids and addition of a tail of ten new amino acids to the proteins C-terminal end. Such change may or may not escape the nuclease/protease checkpoint machinery and may potentially destabilize protein structure. The variant has not, to our knowledge, been reported in the affected individuals via published reports and reputable databases/diagnostic centers. The variant is absent from the large control population dataset of ExAC. Lastly, another variant, c.861_862insT/p.R288X has been reported in pt with SMA. For these reasons, the variant was classified as Likely Pathogenic, until more information becomes available.